The following is an entry in ClinVar:

NM_017849.4(TMEM127):c.35G>T (p.Gly12Val)

Genes: TMEM127 (transmembrane protein 127; minus strand), LOC129934333 (ATAC-STARR-seq lymphoblastoid silent region 11759; plus strand). Cytogenetic location: 2q11.2.
Variant type: single nucleotide variant.
Coding change: c.35G>T on transcript NM_017849.4 (MANE Select); coding-DNA position 35, G replaced by T.
Protein change: p.Gly12Val; replaces glycine 12 with valine.
Molecular consequence: missense variant. On other transcripts: intron variant (1).
Genome position (GRCh38, 1-based): chr2:96,265,347, C>A on the plus strand (G>T on the coding strand, the complement: TMEM127 is on the minus strand). VCF-style: chr2-96265347-C-A. GRCh37 (hg19) VCF-style: chr2-96931085-C-A.
Other names: c.35G>T, p.Gly12Val (NM_001193304.3); c.-9+522G>T (NM_001407283.1); short protein forms G12V.
Identifiers: ClinVar variation 4865716 (VCV004865716.1).

ClinVar aggregate classification (germline): Uncertain significance (1 of 4 stars; one submission).

Conditions:
Hereditary cancer-predisposing syndrome. Also called: Neoplastic Syndromes, Hereditary; Tumor predisposition; Hereditary Cancer Syndrome; Hereditary neoplastic syndrome. Identifiers: Orphanet 140162, MedGen C0027672, MeSH D009386, MONDO:0015356.

Submission:

Ambry Genetics
Classification: Uncertain significance for Hereditary cancer-predisposing syndrome. Last evaluated: 2026-03-18. Review status: criteria provided, single submitter. Criteria: Ambry Variant Classification Scheme 2023. Collection method: clinical testing. Allele origin: germline.
Comment: The p.G12V variant (also known as c.35G>T), located in coding exon 1 of the TMEM127 gene, results from a G to T substitution at nucleotide position 35. The glycine at codon 12 is replaced by valine, an amino acid with dissimilar properties. This amino acid position is conserved. In addition, the in silico prediction for this alteration is inconclusive. Based on the available evidence, the clinical significance of this variant remains unclear.